The following is an entry in ClinVar:

ClinVar aggregate classification (germline): Conflicting classifications of pathogenicity. Review status: criteria provided, conflicting classifications (1 of 4 stars). 4 submissions from 4 submitters: Likely pathogenic (3); Uncertain significance (1). Last evaluated 2023-04-20.

Conditions:
GRIN1-related disorder. Also called: GRIN1-related condition.
Neurodevelopmental disorder with or without hyperkinetic movements and seizures, autosomal dominant. Also called: Intellectual disability, autosomal dominant 8. Identifiers: MedGen C3280282, MONDO:0013655, OMIM 614254.

Submissions (4):

Baylor Genetics
Classification: Likely pathogenic for Neurodevelopmental disorder with or without hyperkinetic movements and seizures, autosomal dominant. Last evaluated: 2023-04-20. Review status: criteria provided, single submitter. Criteria: ACMG Guidelines, 2015. Collection method: clinical testing. Allele origin: unknown.

PreventionGenetics, part of Exact Sciences
Classification: Likely pathogenic for GRIN1-related condition. Last evaluated: 2023-04-19. Review status: criteria provided, single submitter. Criteria: ACMG Guidelines, 2015. Collection method: clinical testing. Allele origin: germline.
Comment: The GRIN1 c.2417C>T variant is predicted to result in the amino acid substitution p.Ala806Val. To our knowledge, this variant has not been reported in the literature or in a large population database, indicating this variant is rare. This variant is interpreted as likely pathogenic.

Genetics and Molecular Pathology, SA Pathology
Classification: Likely pathogenic for Neurodevelopmental disorder with or without hyperkinetic movements and seizures, autosomal dominant. Last evaluated: 2021-02-02. Review status: criteria provided, single submitter. Criteria: ACMG Guidelines, 2015. Collection method: clinical testing. Allele origin: germline. Affected: yes.
Comment: PS2, PM2, PM1

CeGaT Center for Human Genetics Tuebingen
Classification: Uncertain significance. Last evaluated: 2019-06-01. Review status: criteria provided, single submitter. Criteria: CeGaT Center For Human Genetics Tuebingen Variant Classification Criteria Version 2. Collection method: clinical testing. Allele origin: germline. Affected: yes. Observed: 1 variant allele.

NM_007327.4(GRIN1):c.2417C>T (p.Ala806Val)

Gene: GRIN1 (glutamate ionotropic receptor NMDA type subunit 1; plus strand). Cytogenetic location: 9q34.3.
Variant type: single nucleotide variant.
Coding change: c.2417C>T on transcript NM_007327.4 (MANE Select); coding-DNA position 2417, C replaced by T.
Protein change: p.Ala806Val; replaces alanine 806 with valine.
Molecular consequence: missense variant.
Genome position (GRCh38, 1-based): chr9:137,163,642, C>T. VCF-style: chr9-137163642-C-T. GRCh37 (hg19) VCF-style: chr9-140058094-C-T.
Other names: c.2417C>T, p.Ala806Val (NM_000832.7, NM_021569.4); c.2480C>T, p.Ala827Val (NM_001185090.2, NM_001185091.2); c.2417C>T (NM_007327.3); short protein forms A827V, A806V.
Identifiers: ClinVar variation 810481 (VCV000810481.45), dbSNP rs1554770589, ClinGen allele CA375725821.